The following is an entry in ClinVar:

NM_004946.3(DOCK2):c.2416G>A (p.Val806Ile)

Gene: DOCK2 (dedicator of cytokinesis 2; plus strand). Cytogenetic location: 5q35.1.
Variant type: single nucleotide variant.
Coding change: c.2416G>A on transcript NM_004946.3 (MANE Select); coding-DNA position 2416, G replaced by A.
Protein change: p.Val806Ile; replaces valine 806 with isoleucine.
Molecular consequence: missense variant. On other transcripts: non-coding transcript variant (1).
Genome position (GRCh38, 1-based): chr5:169,759,744, G>A. VCF-style: chr5-169759744-G-A. GRCh37 (hg19) VCF-style: chr5-169186748-G-A.
Other names: short protein forms V806I.
Identifiers: ClinVar variation 1420877 (VCV001420877.6), dbSNP rs1373147243, ClinGen allele CA362197374.

ClinVar aggregate classification (germline): Uncertain significance (1 of 4 stars; one submission).

Conditions:
DOCK2 deficiency. Also called: Immunodeficiency 40. Identifiers: Orphanet 447737, MedGen C4225328, MONDO:0014637, OMIM 616433.

Allele frequency attached by ClinVar (database versions not stated): TOPMed below 0.00001.
gnomAD v4.1: 1 of 1,614,048 alleles (0.000062%); highest among the groups gnomAD compares: South Asian, 0.0011%; no homozygotes.

Submission:

Labcorp Genetics (formerly Invitae), Labcorp
Classification: Uncertain significance for DOCK2 deficiency. Last evaluated: 2021-08-08. Review status: criteria provided, single submitter. Criteria: Invitae Variant Classification Sherloc (09022015). Collection method: clinical testing. Allele origin: germline.
Comment: In summary, the available evidence is currently insufficient to determine the role of this variant in disease. Therefore, it has been classified as a Variant of Uncertain Significance. This sequence change replaces valine with isoleucine at codon 806 of the DOCK2 protein (p.Val806Ile). The valine residue is moderately conserved and there is a small physicochemical difference between valine and isoleucine. This variant is not present in population databases (ExAC no frequency). This variant has not been reported in the literature in individuals affected with DOCK2-related conditions. Algorithms developed to predict the effect of missense changes on protein structure and function (SIFT, PolyPhen-2, Align-GVGD) all suggest that this variant is likely to be tolerated.